The following is an entry in ClinVar:

ClinVar aggregate classification (germline): Uncertain significance (1 of 4 stars; one submission).

Allele frequency attached by ClinVar (database versions not stated): gnomAD exomes below 0.00001; ExAC 0.00001; TOPMed 0.00001.
gnomAD v4.1: 1 of 1,612,940 alleles (0.000062%); highest among the groups gnomAD compares: Admixed American, 0.0017%; no homozygotes.

Submission:

Labcorp Genetics (formerly Invitae), Labcorp
Classification: Uncertain significance. Last evaluated: 2024-02-24. Review status: criteria provided, single submitter. Criteria: Invitae Variant Classification Sherloc (09022015). Collection method: clinical testing. Allele origin: germline.
Comment: This sequence change replaces isoleucine, which is neutral and non-polar, with threonine, which is neutral and polar, at codon 3019 of the VCAN protein (p.Ile3019Thr). This variant is present in population databases (rs759886589, gnomAD 0.003%). This variant has not been reported in the literature in individuals affected with VCAN-related conditions. ClinVar contains an entry for this variant (Variation ID: 1521111). Algorithms developed to predict the effect of missense changes on protein structure and function output the following: SIFT: "Not Available"; PolyPhen-2: "Benign"; Align-GVGD: "Not Available". The threonine amino acid residue is found in multiple mammalian species, which suggests that this missense change does not adversely affect protein function. In summary, the available evidence is currently insufficient to determine the role of this variant in disease. Therefore, it has been classified as a Variant of Uncertain Significance.

NM_004385.5(VCAN):c.9056T>C (p.Ile3019Thr)

Genes: VCAN (versican; plus strand), VCAN-AS1 (VCAN antisense RNA 1; minus strand). Cytogenetic location: 5q14.3.
Variant type: single nucleotide variant.
Coding change: c.9056T>C on transcript NM_004385.5 (MANE Select); coding-DNA position 9056, T replaced by C.
Protein change: p.Ile3019Thr; replaces isoleucine 3019 with threonine.
Molecular consequence: missense variant. On other transcripts: intron variant (2).
Genome position (GRCh38, 1-based): chr5:83,542,059, T>C. VCF-style: chr5-83542059-T-C. GRCh37 (hg19) VCF-style: chr5-82837878-T-C.
Other names: c.6095T>C, p.Ile2032Thr (NM_001164097.2); c.4004-3478T>C (NM_001164098.2); c.1043-3478T>C (NM_001126336.3); short protein forms I2032T, I3019T.
Identifiers: ClinVar variation 1521111 (VCV001521111.6), dbSNP rs759886589, ClinGen allele CA3333902.